The following is an entry in ClinVar:

NM_000235.4(LIPA):c.931G>A (p.Gly311Arg)

Gene: LIPA (lipase A, lysosomal acid type; minus strand). Cytogenetic location: 10q23.31.
Variant type: single nucleotide variant.
Coding change: c.931G>A on transcript NM_000235.4 (MANE Select); coding-DNA position 931, G replaced by A.
Protein change: p.Gly311Arg; replaces glycine 311 with arginine.
Molecular consequence: missense variant.
Genome position (GRCh38, 1-based): chr10:89,215,973, C>T on the plus strand (G>A on the coding strand, the complement: LIPA is on the minus strand). VCF-style: chr10-89215973-C-T. GRCh37 (hg19) VCF-style: chr10-90975730-C-T.
Other names: c.931G>A (NM_000235.3, NM_000235.2); c.931G>A, p.Gly311Arg (NM_001127605.3); c.583G>A, p.Gly195Arg (NM_001288979.2); short protein forms G311R, G195R.
Identifiers: ClinVar variation 695043 (VCV000695043.4), dbSNP rs1589548972, ClinGen allele CA377516536.
Genomic context (GRCh38, chr10:89,215,973, plus strand): 5'-TTAATGAAAAGACTAAAAACTTTACCTGGTTGTAATGAAAATAATTCTTGGCACTGCTTC[C>T]CCAGTCAAAGGCTTGAAACTTTTGGAATTTAACAGCCTAAAAAGAAGATAATTTGGAAAA-3'
Protein context (NP_000226.2, residues 301-321): KFQKFQAFDW[Gly311Arg]SSAKNYFHYN

ClinVar aggregate classification (germline): Conflicting classifications of pathogenicity. Review status: criteria provided, conflicting classifications (1 of 4 stars). 3 submissions from 3 submitters: Likely pathogenic (2); Uncertain significance (1). Last evaluated 2024-07-23.

Conditions:
Cardiovascular phenotype. Identifiers: MedGen CN230736.
Wolman disease (WOLD). Also called: Acid cholesteryl ester hydrolase deficiency, Wolman type; Acid lipase disease; Wolman disease, CESD; LYSOSOMAL ACID LIPASE DEFICIENCY, ACUTE INFANTILE; LYSOSOMAL ACID LIPASE DEFICIENCY, COMPLETE; LIPA DEFICIENCY, COMPLETE. Identifiers: Orphanet 75233, MedGen C0043208, MONDO:0019148, OMIM 620151.
Lysosomal acid lipase deficiency. Also called: Acid cholesteryl ester hydrolase deficiency, type 2. Identifiers: Orphanet 275761, MedGen C5574740, MONDO:0800449, MONDO:0010204.

gnomAD v4.1: 2 of 1,612,530 alleles (0.00012%); highest among the groups gnomAD compares: East Asian, 0.0022%; no homozygotes.

Submissions (3):

Ambry Genetics
Classification: Uncertain significance for Cardiovascular phenotype. Last evaluated: 2024-07-23. Review status: criteria provided, single submitter. Criteria: Ambry Variant Classification Scheme 2023. Collection method: clinical testing. Allele origin: germline.
Comment: The p.G311R variant (also known as c.931G>A), located in coding exon 8 of the LIPA gene, results from a G to A substitution at nucleotide position 931. The glycine at codon 311 is replaced by arginine, an amino acid with dissimilar properties. In an assay testing LIPA function, this variant showed a functionally abnormal result (Del Angel G et al. Hum Mutat, 2019 Nov;40:2007-2020). This amino acid position is highly conserved in available vertebrate species. In addition, this alteration is predicted to be deleterious by in silico analysis. Based on the available evidence, the clinical significance of this variant remains unclear.

Women's Health and Genetics/Laboratory Corporation of America, LabCorp
Classification: Likely pathogenic for Wolman disease. Last evaluated: 2023-07-25. Review status: criteria provided, single submitter. Criteria: LabCorp Variant Classification Summary - May 2015. Collection method: clinical testing. Allele origin: germline.
Comment: Variant summary: LIPA c.931G>A (p.Gly311Arg) results in a non-conservative amino acid change located in the Alpha/beta hydrolase fold-1 domain (IPR000073) of the encoded protein sequence. Five of five in-silico tools predict a damaging effect of the variant on protein function. The variant was absent in 251358 control chromosomes. To our knowledge, no occurrence of c.931G>A in individuals affected with Lysosomal Acid Lipase Deficiency has been reported. At least one publication reports experimental evidence evaluating an impact on protein function, with enzymatic activity of the variant protein being <10% of normal activity (Del Angel_2019). The following publication has been ascertained in the context of this evaluation (PMID: 31180157). One submitter has cited clinical-significance assessments for this variant to ClinVar after 2014 and has classified the variant as likely pathogenic. Based on the evidence outlined above, the variant was classified as likely pathogenic.

Alexion, Astrazeneca Rare Disease, Astrazeneca
Classification: Likely pathogenic for Lysosomal acid lipase deficiency. Last evaluated: 2019-06-01. Review status: criteria provided, single submitter. Criteria: ACMG Guidelines, 2015. Collection method: research. Allele origin: germline. Affected: yes.
Comment: ACMG PS3 criterion ascertained by in-vitro functional study, PMID:31180157

Literature cited by the submitters: PubMed 31180157 (cited by 3 submitters).